The following is an entry in ClinVar:

NM_182760.4(SUMF1):c.*214A>G

Gene: SUMF1 (sulfatase modifying factor 1; minus strand). Cytogenetic location: 3p26.1.
Variant type: single nucleotide variant.
Coding change: c.*214A>G on transcript NM_182760.4 (MANE Select); 214 bases downstream of the stop codon, A replaced by G.
Molecular consequence: 3 prime UTR variant.
Genome position (GRCh38, 1-based): chr3:4,361,930, T>C on the plus strand (A>G on the coding strand, the complement: SUMF1 is on the minus strand). VCF-style: chr3-4361930-T-C. GRCh37 (hg19) VCF-style: chr3-4403614-T-C.
Other names: c.*214A>G (NM_001164674.2, NM_001164675.2).
Identifiers: ClinVar variation 345310 (VCV000345310.9), dbSNP rs2819562, ClinGen allele CA10616429.

ClinVar aggregate classification (germline): Benign. Review status: criteria provided, multiple submitters, no conflicts (2 of 4 stars). 3 submissions from 3 submitters: Benign (3). Last evaluated 2018-06-19.

Conditions:
Multiple sulfatase deficiency (MSD). Also called: Mucosulfatidosis; Multiple Sulfatase Deficiency Disease; Sulfatidosis, Juvenile, Austin Type. Identifiers: Orphanet 585, MedGen C0268263, MONDO:0010088, OMIM 272200.

Allele frequency attached by ClinVar (database versions not stated): 1000 Genomes Project 0.29553; 1000 Genomes Project 30x 0.29903; TOPMed 0.37594; gnomAD 0.38611 and 0.39192.
gnomAD v4.1: 225,796 of 564,200 alleles (40%); highest among the groups gnomAD compares: Non-Finnish European, 46%; 47,689 homozygotes.

Submissions (3):

GeneDx
Classification: Benign. Last evaluated: 2018-06-19. Review status: criteria provided, single submitter. Criteria: GeneDx Variant Classification Process June 2021. Collection method: clinical testing. Allele origin: germline. Affected: yes.

Illumina Laboratory Services, Illumina
Classification: Benign for Multiple sulfatase deficiency. Last evaluated: 2018-01-13. Review status: criteria provided, single submitter. Criteria: ICSL Variant Classification Criteria 13 December 2019. Collection method: clinical testing. Allele origin: germline.
Comment: This variant was observed in the ICSL laboratory as part of a predisposition screen in an ostensibly healthy population. It had not been previously curated by ICSL or reported in the Human Gene Mutation Database (HGMD: prior to June 1st, 2018), and was therefore a candidate for classification through an automated scoring system. Utilizing variant allele frequency, disease prevalence and penetrance estimates, and inheritance mode, an automated score was calculated to assess if this variant is too frequent to cause the disease. Based on the score and internal cut-off values, a variant classified as benign is not then subjected to further curation. The score for this variant resulted in a classification of benign for this disease.

Breakthrough Genomics
Classification: Benign. Review status: criteria provided, single submitter. Criteria: ACMG Guidelines, 2015. Collection method: not provided. Allele origin: germline. Inheritance: Autosomal recessive inheritance. Affected: yes.